The following is an entry in ClinVar:

NM_017841.4(SDHAF2):c.419T>C (p.Leu140Pro)

Gene: SDHAF2 (succinate dehydrogenase complex assembly factor 2; plus strand). Cytogenetic location: 11q12.2.
Variant type: single nucleotide variant.
Coding change: c.419T>C on transcript NM_017841.4 (MANE Select); coding-DNA position 419, T replaced by C.
Protein change: p.Leu140Pro; replaces leucine 140 with proline.
Molecular consequence: missense variant.
Genome position (GRCh38, 1-based): chr11:61,445,989, T>C. VCF-style: chr11-61445989-T-C. GRCh37 (hg19) VCF-style: chr11-61213461-T-C.
Other names: short protein forms L140P.
Identifiers: ClinVar variation 480797 (VCV000480797.6), dbSNP rs1554985403, ClinGen allele CA380685351.

ClinVar aggregate classification (germline): Uncertain significance (1 of 4 stars; one submission).

Conditions:
Hereditary cancer-predisposing syndrome. Also called: Hereditary Cancer Syndrome; Neoplastic Syndromes, Hereditary; Tumor predisposition; Hereditary neoplastic syndrome. Identifiers: Orphanet 140162, MedGen C0027672, MeSH D009386, MONDO:0015356.

Submission:

Ambry Genetics
Classification: Uncertain significance for Hereditary cancer-predisposing syndrome. Last evaluated: 2024-06-07. Review status: criteria provided, single submitter. Criteria: Ambry Variant Classification Scheme 2023. Collection method: clinical testing. Allele origin: germline.
Comment: The p.L140P variant (also known as c.419T>C), located in coding exon 4 of the SDHAF2 gene, results from a T to C substitution at nucleotide position 419. The leucine at codon 140 is replaced by proline, an amino acid with similar properties. This amino acid position is highly conserved in available vertebrate species. In addition, this alteration is predicted to be deleterious by in silico analysis. Since supporting evidence is limited at this time, the clinical significance of this alteration remains unclear.